The following is an entry in ClinVar:

ClinVar aggregate classification (germline): Conflicting classifications of pathogenicity. Review status: criteria provided, conflicting classifications (1 of 4 stars). 2 submissions from 2 submitters: Likely pathogenic (1); Uncertain significance (1). Last evaluated 2025-04-26.

Conditions:
Supravalvar aortic stenosis (SVAS). Also called: Supravalvar aortic stenosis, Eisenberg type. Identifiers: Orphanet 3193, MedGen C0003499, MONDO:0008504, OMIM 185500, HP:0004381.
Cutis laxa, autosomal dominant 1 (ADCL1). Also called: ELN-Related Cutis Laxa. Identifiers: Orphanet 90348, MedGen C3276539, MONDO:0007411, OMIM 123700. Disease mechanism: Dominant Negative.

Submissions (2):

Labcorp Genetics (formerly Invitae), Labcorp
Classification: Likely pathogenic for Supravalvar aortic stenosis. Last evaluated: 2025-04-26. Review status: criteria provided, single submitter. Criteria: Invitae Variant Classification Sherloc (09022015). Collection method: clinical testing. Allele origin: germline.
Comment: This sequence change affects a donor splice site in intron 15 of the ELN gene. It is expected to disrupt RNA splicing. Variants that disrupt the donor or acceptor splice site typically lead to a loss of protein function (PMID: 16199547), and loss-of-function variants in ELN are known to be pathogenic (PMID: 11175284). This variant is not present in population databases (gnomAD no frequency). This variant has not been reported in the literature in individuals affected with ELN-related conditions. Algorithms developed to predict the effect of sequence changes on RNA splicing suggest that this variant may disrupt the consensus splice site. In summary, the currently available evidence indicates that the variant is pathogenic, but additional data are needed to prove that conclusively. Therefore, this variant has been classified as Likely Pathogenic.

Juno Genomics, Hangzhou Juno Genomics, Inc
Classification: Uncertain significance for Cutis laxa, autosomal dominant 1; Supravalvar aortic stenosis. Review status: criteria provided, single submitter. Criteria: ACMG Guidelines, 2015. Collection method: clinical testing. Allele origin: germline.
Comment: Absent from controls (or at extremely low frequency if recessive) in Genome Aggregation Database.;Null variant in a gene where loss of function (LOF) is a known mechanism of disease.

Literature cited by the submitters: PubMed 16199547 (cited by Labcorp Genetics (formerly Invitae), Labcorp); PubMed 11175284 (cited by Labcorp Genetics (formerly Invitae), Labcorp).

NM_000501.4(ELN):c.799+2T>C

Gene: ELN (elastin; plus strand). Cytogenetic location: 7q11.23.
Variant type: single nucleotide variant.
Coding change: c.799+2T>C on transcript NM_000501.4 (MANE Select); the canonical splice donor site of the intron after coding-DNA position 799, T replaced by C.
Molecular consequence: splice donor variant.
Genome position (GRCh38, 1-based): chr7:74,048,558, T>C. VCF-style: chr7-74048558-T-C. GRCh37 (hg19) VCF-style: chr7-73462888-T-C.
Other names: c.814+2T>C (NM_001081754.3, NM_001081753.3); c.799+2T>C (NM_001278939.2, NM_001278915.2, NM_001278912.2 and 1 more transcripts); c.757+2T>C (NM_001278916.2); c.691+2T>C (NM_001278913.2); c.784+2T>C (NM_001278914.2); c.769+2T>C (NM_001278917.2, NM_001081752.3); c.667+2T>C (NM_001278918.2).
Identifiers: ClinVar variation 4718351 (VCV004718351.3).